The following is an entry in ClinVar:

NM_018082.6(POLR3B):c.3371C>T (p.Pro1124Leu)

Genes: POLR3B (RNA polymerase III subunit B; plus strand), LOC100287944 (uncharacterized LOC100287944; minus strand). Cytogenetic location: 12q23.3.
Variant type: single nucleotide variant.
Coding change: c.3371C>T on transcript NM_018082.6 (MANE Select); coding-DNA position 3371, C replaced by T.
Protein change: p.Pro1124Leu; replaces proline 1124 with leucine.
Molecular consequence: missense variant.
Genome position (GRCh38, 1-based): chr12:106,509,518, C>T. VCF-style: chr12-106509518-C-T. GRCh37 (hg19) VCF-style: chr12-106903296-C-T.
Other names: c.3197C>T, p.Pro1066Leu (NM_001160708.2); short protein forms P1066L, P1124L.
Identifiers: ClinVar variation 2430558 (VCV002430558.1), dbSNP rs2542265688, ClinGen allele CA386394722.

ClinVar aggregate classification (germline): Uncertain significance (1 of 4 stars; one submission).

Submission:

GeneDx
Classification: Uncertain significance. Last evaluated: 2022-08-24. Review status: criteria provided, single submitter. Criteria: GeneDx Variant Classification Process June 2021. Collection method: clinical testing. Allele origin: germline. Affected: yes.
Comment: Not observed at significant frequency in large population cohorts (gnomAD); In silico analysis supports that this missense variant has a deleterious effect on protein structure/function; Has not been previously published as pathogenic or benign to our knowledge